The following is an entry in ClinVar:

NM_000059.4(BRCA2):c.1662T>G (p.Cys554Trp)

Gene: BRCA2 (BRCA2 DNA repair associated; plus strand). Cytogenetic location: 13q13.1.
Variant type: single nucleotide variant.
Coding change: c.1662T>G on transcript NM_000059.4 (MANE Select); coding-DNA position 1662, T replaced by G.
Protein change: p.Cys554Trp; replaces cysteine 554 with tryptophan.
Molecular consequence: missense variant.
Genome position (GRCh38, 1-based): chr13:32,333,140, T>G. VCF-style: chr13-32333140-T-G. GRCh37 (hg19) VCF-style: chr13-32907277-T-G.
Other names: p.C554W:TGT>TGG; 1890T>G; short protein forms C554W.
Identifiers: ClinVar variation 51169 (VCV000051169.70), dbSNP rs80358451, ClinGen allele CA012830.

ClinVar aggregate classification (germline): Benign. Review status: reviewed by expert panel (3 of 4 stars). 19 submissions from 19 submitters: Benign (1). 18 of the submissions do not count toward it. Last evaluated 2015-08-10.

Conditions:
BRCA2-related disorder. Also called: BRCA2-related condition; BRCA2-related disorders. Identifiers: MedGen CN239275.
Carcinoma of male breast. Also called: Male breast carcinoma. Identifiers: MedGen C0238033, MONDO:0005628.
Breast and/or ovarian cancer. Identifiers: MedGen CN221562.
Hereditary cancer-predisposing syndrome. Also called: Hereditary Cancer Syndrome; Tumor predisposition; Neoplastic Syndromes, Hereditary; Hereditary neoplastic syndrome. Identifiers: Orphanet 140162, MedGen C0027672, MeSH D009386, MONDO:0015356.
Hereditary breast ovarian cancer syndrome. Also called: Breast and ovarian cancer; BRCA1- and BRCA2-Associated Hereditary Breast and Ovarian Cancer; Hereditary breast and ovarian cancer; Hereditary breast and ovarian cancer syndrome (HBOC); Hereditary breast and ovarian cancer syndrome; Hereditary breast and/or ovarian cancer syndrome. Identifiers: Orphanet 145, MedGen C0677776, MeSH D061325, MONDO:0003582. Disease mechanism: loss of function.
Breast-ovarian cancer, familial, susceptibility to, 2 (BROVCA2). Also called: BRCA2 Hereditary Breast and Ovarian Cancer. Identifiers: Orphanet 145, MedGen C2675520, MONDO:0012933, OMIM 612555. Disease mechanism: loss of function.

Allele frequency attached by ClinVar (database versions not stated): gnomAD exomes 0.00006 and 0.00013; TOPMed 0.00006; gnomAD 0.00007 and 0.00006; ExAC 0.00004; ESP Exome Variant Server 0.00015.
gnomAD v4.1: 201 of 1,613,950 alleles (0.012%); highest among the groups gnomAD compares: Non-Finnish European, 0.016%; no homozygotes.

Submissions (19):

Evidence-based Network for the Interpretation of Germline Mutant Alleles (ENIGMA)
Classification: Benign for Breast-ovarian cancer, familial 2. Last evaluated: 2015-08-10. Review status: reviewed by expert panel. Criteria: ENIGMA BRCA1/2 Classification Criteria (2015). Collection method: curation. Allele origin: germline.
Comment: IARC class based on posterior probability from multifactorial likelihood analysis, thresholds for class as per Plon et al. 2008 (PMID: 18951446). Class 1 based on posterior probability = 0.000000396

Labcorp Genetics (formerly Invitae), Labcorp
Classification: Likely benign for Hereditary breast ovarian cancer syndrome. Last evaluated: 2026-02-02. Review status: criteria provided, single submitter. Criteria: Invitae Variant Classification Sherloc (09022015). Collection method: clinical testing. Allele origin: germline. Not counted in ClinVar's aggregate classification.

Center for Genomic Medicine, Rigshospitalet, Copenhagen University Hospital
Classification: Benign. Last evaluated: 2025-03-04. Review status: criteria provided, single submitter. Criteria: ACMG Guidelines, 2015. Collection method: clinical testing. Allele origin: germline. Not counted in ClinVar's aggregate classification.

CeGaT Center for Human Genetics Tuebingen
Classification: Likely benign. Last evaluated: 2024-07-01. Review status: criteria provided, single submitter. Criteria: CeGaT Center For Human Genetics Tuebingen Variant Classification Criteria Version 2. Collection method: clinical testing. Allele origin: germline. Affected: yes. Observed: 2 variant alleles. Not counted in ClinVar's aggregate classification.
Comment: BRCA2: BP4

ARUP Laboratories, Molecular Genetics and Genomics, ARUP Laboratories
Classification: Benign. Last evaluated: 2022-06-20. Review status: criteria provided, single submitter. Criteria: ARUP Molecular Germline Variant Investigation Process 2021. Collection method: clinical testing. Allele origin: germline. Not counted in ClinVar's aggregate classification.

Genetic Services Laboratory, University of Chicago
Classification: Likely benign. Last evaluated: 2021-12-17. Review status: criteria provided, single submitter. Criteria: ACMG Guidelines, 2015. Collection method: clinical testing. Allele origin: germline. Affected: no. Not counted in ClinVar's aggregate classification.

GeneDx
Classification: Likely benign. Last evaluated: 2021-06-21. Review status: criteria provided, single submitter. Criteria: GeneDx Variant Classification Process June 2021. Collection method: clinical testing. Allele origin: germline. Affected: yes. Not counted in ClinVar's aggregate classification.
Comment: This variant is associated with the following publications: (PMID: 21990134, 10464631, 24323938, 17924331, 9654203, 21952622, 22771033, 25637381, 27150160)

Sema4
Classification: Likely benign for Hereditary cancer-predisposing syndrome. Last evaluated: 2021-01-11. Review status: criteria provided, single submitter. Criteria: Sema4 Curation Guidelines. Collection method: curation. Allele origin: germline. Not counted in ClinVar's aggregate classification.

Women's Health and Genetics/Laboratory Corporation of America, LabCorp
Classification: Benign. Last evaluated: 2020-05-07. Review status: criteria provided, single submitter. Criteria: LabCorp Variant Classification Summary - May 2015. Collection method: clinical testing. Allele origin: germline. Inheritance: Autosomal dominant inheritance. Not counted in ClinVar's aggregate classification.
Comment: Variant summary: BRCA2 c.1662T>G (p.Cys554Trp) results in a non-conservative amino acid change in the encoded protein sequence. Three of five in-silico tools predict a damaging effect of the variant on protein function. The variant allele was found at a frequency of 5.7e-05 in 282630 control chromosomes (gnomAD). This frequency is not significantly higher than expected for a pathogenic variant in BRCA2 causing Hereditary Breast and Ovarian Cancer (5.7e-05 vs 0.00075), allowing no conclusion about variant significance. The variant, c.1662T>G has been reported in the literature in individuals affected with prostate cancer, breast cancer and ovarian cancer without strong evidence for causality (Kote-Jari_2011, Ganguly_1998, Ganguly_1997). These reports do not provide unequivocal conclusions about association of the variant with Hereditary Breast and Ovarian Cancer. Two studies using multifactorial likelihood models have classified this variant as having a neutral impact (Easton_2007, Lindor_2012) (IARC class I). In addition, although a functional study (Mondal_2012) reports this variant as resulting in increased cytokinetic defects through a disruption of BRCA2 interactions with other proteins, the authors do not report its effect on BRCA2 dependant homologous recombination repair. Therefore, the impact of this study on the pathophysiology and mechanism of cancer has not been fully understood and/or established. At least one co-occurrence of this variant with another likely pathogenic variant has been reported at our laboratory (BRCA2 c.4305_4309delTATTA, p.Asn1435fsX8), providing supporting evidence for a benign role. Nine submitters including one expert panel have provided clinical-significance assessments for this variant to ClinVar after 2014, some citing overlapping evidence utilized in the context of this evaluation. Eight submitters including the expert panel have classified the variant as benign (n=5)/likely benign(n=3) while one retains the classification as a VUS. We have followed this variant for over 6 years since its initial identification at our laboratory. Based on the lack on conclusive evidence supporting a pathogenic outcome for this variant in literature spanning over two decades as ascertained above and the emerging majority consensus in the field, the variant was re-classified as benign.

Mendelics
Classification: Benign for Breast-ovarian cancer, familial, susceptibility to, 2. Last evaluated: 2019-05-28. Review status: criteria provided, single submitter. Criteria: Mendelics Assertion Criteria 2017. Collection method: clinical testing. Allele origin: unknown. Not counted in ClinVar's aggregate classification.

Color Diagnostics, LLC DBA Color Health
Classification: Benign for Hereditary cancer-predisposing syndrome. Last evaluated: 2016-02-24. Review status: criteria provided, single submitter. Criteria: ACMG Guidelines, 2015. Collection method: clinical testing. Allele origin: germline. Not counted in ClinVar's aggregate classification.

Department of Pathology and Laboratory Medicine, Sinai Health System
Classification: Benign. Last evaluated: 2015-12-04. Review status: criteria provided, single submitter. Criteria: ACMG Guidelines, 2015. Collection method: clinical testing. Allele origin: germline. Affected: yes. Study: The Canadian Open Genetics Repository (COGR). Not counted in ClinVar's aggregate classification.

CHEO Genetics Diagnostic Laboratory, Children's Hospital of Eastern Ontario
Classification: Uncertain significance for Breast and/or ovarian cancer. Last evaluated: 2015-10-07. Review status: criteria provided, single submitter. Criteria: ACMG Guidelines, 2015. Collection method: clinical testing. Allele origin: germline. Study: Canadian Open Genetics Repository. Not counted in ClinVar's aggregate classification.

Ambry Genetics
Classification: Benign for Hereditary cancer-predisposing syndrome. Last evaluated: 2014-11-19. Review status: criteria provided, single submitter. Criteria: Ambry Variant Classification Scheme 2023. Collection method: clinical testing. Allele origin: germline. Not counted in ClinVar's aggregate classification.

PreventionGenetics, part of Exact Sciences
Classification: Benign for BRCA2-related condition. Last evaluated: 2019-08-01. Review status: no assertion criteria provided. Collection method: clinical testing. Allele origin: germline. Not counted in ClinVar's aggregate classification.
Comment: This variant is classified as benign based on ACMG/AMP sequence variant interpretation guidelines (Richards et al. 2015 PMID: 25741868, with internal and published modifications).

True Health Diagnostics
Classification: Likely benign for Hereditary cancer-predisposing syndrome. Last evaluated: 2018-11-12. Review status: no assertion criteria provided. Collection method: clinical testing. Allele origin: germline. Not counted in ClinVar's aggregate classification.

CSER _CC_NCGL, University of Washington
Classification: Likely benign for Breast cancer, male. Last evaluated: 2014-06-01. Review status: no assertion criteria provided. Collection method: research. Allele origin: germline. Inheritance: Autosomal dominant inheritance. Study: ESP 6500 variant annotation. Not counted in ClinVar's aggregate classification.
Comment: Variants classified for the Actionable exomic incidental findings in 6503 participants: challenges of variant classification manuscript

Sharing Clinical Reports Project (SCRP)
Classification: Benign for Breast-ovarian cancer, familial 2. Last evaluated: 2012-05-01. Review status: no assertion criteria provided. Collection method: clinical testing. Allele origin: germline. Not counted in ClinVar's aggregate classification.

Breast Cancer Information Core (BIC) (BRCA2)
Classification: Uncertain significance for Breast-ovarian cancer, familial 2. Last evaluated: 2004-02-20. Review status: no assertion criteria provided. Collection method: clinical testing. Allele origin: germline. Affected: yes. Observed: 9 variant alleles. Not counted in ClinVar's aggregate classification.

Literature cited by the submitters: PubMed 21990134 (cited by Evidence-based Network for the Interpretation of Germline Mutant Alleles (ENIGMA) and Women's Health and Genetics/Laboratory Corporation of America, LabCorp); PubMed 17924331 (cited by Women's Health and Genetics/Laboratory Corporation of America, LabCorp); PubMed 21952622 (cited by Women's Health and Genetics/Laboratory Corporation of America, LabCorp); PubMed 24323938 (cited by Women's Health and Genetics/Laboratory Corporation of America, LabCorp); PubMed 22771033 (cited by Women's Health and Genetics/Laboratory Corporation of America, LabCorp); PubMed 9654203 (cited by Women's Health and Genetics/Laboratory Corporation of America, LabCorp); PubMed 10464631 (cited by Women's Health and Genetics/Laboratory Corporation of America, LabCorp); PubMed 25682074 (cited by Women's Health and Genetics/Laboratory Corporation of America, LabCorp); PubMed 26689913 (cited by Women's Health and Genetics/Laboratory Corporation of America, LabCorp); PubMed 29580235 (cited by Women's Health and Genetics/Laboratory Corporation of America, LabCorp).